The following is an entry in ClinVar:

NM_001291415.2(KDM6A):c.638A>G (p.His213Arg)

Gene: KDM6A (lysine demethylase 6A; plus strand). Cytogenetic location: Xp11.3.
Variant type: single nucleotide variant.
Coding change: c.638A>G on transcript NM_001291415.2 (MANE Select); coding-DNA position 638, A replaced by G.
Protein change: p.His213Arg; replaces histidine 213 with arginine.
Molecular consequence: missense variant. On other transcripts: 5 prime UTR variant (1), non-coding transcript variant (1).
Genome position (GRCh38, 1-based): chrX:45,037,673, A>G. VCF-style: chrX-45037673-A-G. GRCh37 (hg19) VCF-style: chrX-44896918-A-G.
Other names: c.638A>G, p.His213Arg (NM_001291416.2, NM_001291417.2, NM_001291418.2 and 9 more transcripts); c.-116A>G (NM_001291421.2); short protein forms H213R.
Identifiers: ClinVar variation 3363979 (VCV003363979.1).
Genomic context (GRCh38, chrX:45,037,673, plus strand): 5'-TGTATTGTTACTGATTTTTTTGTCTTTCCTCATCCTTTGCAGTTCAATTTCACATTGCCC[A>G]CTTATATGAAACCCAGGTAAGTATTTTAACTTATTCTATTTAAAACAAAAGCAAACAAAA-3'
Protein context (NP_001278344.1, residues 203-223): SNAEIQFHIA[His213Arg]LYETQRKYHS

ClinVar aggregate classification (germline): Uncertain significance (1 of 4 stars; one submission).

gnomAD v4.1: 3 of 1,203,183 alleles (0.00025%); highest among the groups gnomAD compares: Non-Finnish European, 0.00034%; no homozygotes.

Submission:

GeneDx
Classification: Uncertain significance. Last evaluated: 2023-11-08. Review status: criteria provided, single submitter. Criteria: GeneDx Variant Classification Process June 2021. Collection method: clinical testing. Allele origin: germline. Affected: yes.
Comment: Not observed at significant frequency in large population cohorts (gnomAD); In silico analysis supports that this missense variant has a deleterious effect on protein structure/function; Has not been previously published as pathogenic or benign to our knowledge